The following is an entry in ClinVar:

ClinVar aggregate classification (germline): Uncertain significance (1 of 4 stars; one submission).

gnomAD v4.1: 20 of 1,613,972 alleles (0.0012%); highest among the groups gnomAD compares: South Asian, 0.0066%; 1 homozygote.

Submission:

Labcorp Genetics (formerly Invitae), Labcorp
Classification: Uncertain significance. Last evaluated: 2025-04-17. Review status: criteria provided, single submitter. Criteria: Invitae Variant Classification Sherloc (09022015). Collection method: clinical testing. Allele origin: germline.
Comment: This sequence change replaces arginine, which is basic and polar, with histidine, which is basic and polar, at codon 148 of the SLC9A3R1 protein (p.Arg148His). This variant is present in population databases (rs370781758, gnomAD 0.003%). This variant has not been reported in the literature in individuals affected with SLC9A3R1-related conditions. ClinVar contains an entry for this variant (Variation ID: 3606921). An algorithm developed to predict the effect of missense changes on protein structure and function outputs the following: PolyPhen-2: "Benign". The histidine amino acid residue is found in multiple mammalian species, which suggests that this missense change does not adversely affect protein function. In summary, the available evidence is currently insufficient to determine the role of this variant in disease. Therefore, it has been classified as a Variant of Uncertain Significance.

NM_004252.5(NHERF1):c.443G>A (p.Arg148His)

Gene: NHERF1 (NHERF family PDZ scaffold protein 1; plus strand). Cytogenetic location: 17q25.1.
Variant type: single nucleotide variant.
Coding change: c.443G>A on transcript NM_004252.5 (MANE Select); coding-DNA position 443, G replaced by A.
Protein change: p.Arg148His; replaces arginine 148 with histidine.
Molecular consequence: missense variant.
Genome position (GRCh38, 1-based): chr17:74,762,013, G>A. VCF-style: chr17-74762013-G-A. GRCh37 (hg19) VCF-style: chr17-72758152-G-A.
Other names: short protein forms R148H.
Identifiers: ClinVar variation 3606921 (VCV003606921.2).